The following is an entry in ClinVar:

NM_001143986.2(TLE6):c.861G>A (p.Glu287=)

Gene: TLE6 (TLE family member 6, subcortical maternal complex member; plus strand). Cytogenetic location: 19p13.3.
Variant type: single nucleotide variant.
Coding change: c.861G>A on transcript NM_001143986.2 (MANE Select); coding-DNA position 861, G replaced by A.
Protein change: p.Glu287=; no amino-acid change (glutamic acid 287 retained).
Molecular consequence: synonymous variant.
Genome position (GRCh38, 1-based): chr19:2,989,181, G>A. VCF-style: chr19-2989181-G-A. GRCh37 (hg19) VCF-style: chr19-2989179-G-A.
Other names: c.492G>A, p.Glu164= (NM_024760.3).
Identifiers: ClinVar variation 734208 (VCV000734208.10), dbSNP rs149988116, ClinGen allele CA9072851.

ClinVar aggregate classification (germline): Likely benign. Review status: criteria provided, multiple submitters, no conflicts (2 of 4 stars). 3 submissions from 3 submitters: Likely benign (3). Last evaluated 2025-10-01.

Allele frequency attached by ClinVar (database versions not stated): TOPMed 0.00015; ExAC 0.00023; ESP Exome Variant Server 0.00023; gnomAD 0.00029 and 0.00034; gnomAD exomes 0.00029 and 0.00036.
gnomAD v4.1: 563 of 1,614,006 alleles (0.035%); highest among the groups gnomAD compares: Non-Finnish European, 0.036%; 1 homozygote.

Submissions (3):

CeGaT Center for Human Genetics Tuebingen
Classification: Likely benign. Last evaluated: 2025-10-01. Review status: criteria provided, single submitter. Criteria: CeGaT Center For Human Genetics Tuebingen Variant Classification Criteria Version 2. Collection method: clinical testing. Allele origin: germline. Affected: yes. Observed: 1 variant allele.
Comment: TLE6: BP4, BP7

Blueprint Genetics
Classification: Likely benign. Last evaluated: 2024-05-03. Review status: criteria provided, single submitter. Criteria: ACMG Guidelines, 2015. Collection method: clinical testing. Allele origin: germline.

Labcorp Genetics (formerly Invitae), Labcorp
Classification: Likely benign. Last evaluated: 2018-01-19. Review status: criteria provided, single submitter. Criteria: Invitae Variant Classification Sherloc (09022015). Collection method: clinical testing. Allele origin: germline.